The following is an entry in ClinVar:

ClinVar aggregate classification (germline): Uncertain significance (1 of 4 stars; one submission).

Submission:

GeneDx
Classification: Uncertain significance. Last evaluated: 2023-12-05. Review status: criteria provided, single submitter. Criteria: GeneDx Variant Classification Process June 2021. Collection method: clinical testing. Allele origin: germline. Affected: yes.
Comment: Not observed at significant frequency in large population cohorts (gnomAD); In silico analysis supports that this missense variant has a deleterious effect on protein structure/function; Has not been previously published as pathogenic or benign to our knowledge

NM_003587.5(DHX16):c.1064T>G (p.Leu355Arg)

Gene: DHX16 (DEAH-box helicase 16; minus strand). Cytogenetic location: 6p21.33.
Variant type: single nucleotide variant.
Coding change: c.1064T>G on transcript NM_003587.5 (MANE Select); coding-DNA position 1064, T replaced by G.
Protein change: p.Leu355Arg; replaces leucine 355 with arginine.
Molecular consequence: missense variant. On other transcripts: 5 prime UTR variant (1).
Genome position (GRCh38, 1-based): chr6:30,665,132, A>C on the plus strand (T>G on the coding strand, the complement: DHX16 is on the minus strand). VCF-style: chr6-30665132-A-C. GRCh37 (hg19) VCF-style: chr6-30632909-A-C.
Other names: c.884T>G, p.Leu295Arg (NM_001164239.2); c.-1056T>G (NM_001363515.2); short protein forms L295R, L355R.
Identifiers: ClinVar variation 3364965 (VCV003364965.1).